The following is an entry in ClinVar:

NM_001042492.3(NF1):c.8113del (p.Ser2705fs)

Gene: NF1 (neurofibromin 1; plus strand). Cytogenetic location: 17q11.2.
Variant type: Deletion.
Coding change: c.8113del on transcript NM_001042492.3 (MANE Select); coding-DNA position 8113, one base deleted (A; older notation c.8113delA).
Protein change: p.Ser2705fs; shifts the reading frame from serine 2705.
Molecular consequence: frameshift variant.
Genome position (GRCh38, 1-based): chr17:31,358,622, A deleted; the last of 3 consecutive A bases (chr17:31,358,620-31,358,622); deleting any one gives the same sequence. VCF-style (leftmost placement, unchanged base first): chr17-31358619-CA-C. GRCh37 (hg19) VCF-style: chr17-29685637-CA-C.
Other names: c.8050del, p.Ser2684fs (NM_000267.4); short protein forms S2684fs, S2705fs.
Identifiers: ClinVar variation 4710371 (VCV004710371.1).

ClinVar aggregate classification (germline): Pathogenic (1 of 4 stars; one submission).

Conditions:
Neurofibromatosis, type 1 (NF1). Also called: VON RECKLINGHAUSEN DISEASE; Peripheral type neurofibromatosis; NEUROFIBROMATOSIS, TYPE I, SOMATIC; Neurofibromatosis, type I. Identifiers: Orphanet 636, MedGen C0027831, MONDO:0018975, OMIM 162200. Disease mechanism: loss of function.

Submission:

Labcorp Genetics (formerly Invitae), Labcorp
Classification: Pathogenic for Neurofibromatosis, type 1. Last evaluated: 2025-06-24. Review status: criteria provided, single submitter. Criteria: Invitae Variant Classification Sherloc (09022015). Collection method: clinical testing. Allele origin: germline.
Comment: This sequence change creates a premature translational stop signal (p.Ser2684Valfs*34) in the NF1 gene. It is expected to result in an absent or disrupted protein product. Loss-of-function variants in NF1 are known to be pathogenic (PMID: 10712197, 23913538). This variant is not present in population databases (gnomAD no frequency). This variant has not been reported in the literature in individuals affected with NF1-related conditions. For these reasons, this variant has been classified as Pathogenic.

Literature cited by the submitters: PubMed 10712197; PubMed 23913538.